The following is an entry in ClinVar:

ClinVar aggregate classification (germline): Uncertain significance (1 of 4 stars; one submission).

Conditions:
Hereditary cancer-predisposing syndrome. Also called: Hereditary Cancer Syndrome; Hereditary neoplastic syndrome; Neoplastic Syndromes, Hereditary; Tumor predisposition. Identifiers: Orphanet 140162, MedGen C0027672, MeSH D009386, MONDO:0015356.

Allele frequency attached by ClinVar (database versions not stated): gnomAD exomes below 0.00001; TOPMed below 0.00001.
gnomAD v4.1: 4 of 1,614,172 alleles (0.00025%); highest among the groups gnomAD compares: Admixed American, 0.0067%; no homozygotes.

Submission:

Ambry Genetics
Classification: Uncertain significance for Hereditary cancer-predisposing syndrome. Last evaluated: 2021-07-04. Review status: criteria provided, single submitter. Criteria: Ambry Variant Classification Scheme 2023. Collection method: clinical testing. Allele origin: germline.
Comment: The p.D1954Y variant (also known as c.5860G>T), located in coding exon 43 of the POLE gene, results from a G to T substitution at nucleotide position 5860. The aspartic acid at codon 1954 is replaced by tyrosine, an amino acid with highly dissimilar properties. This amino acid position is conserved. In addition, this alteration is predicted to be tolerated by in silico analysis. Since supporting evidence is limited at this time, the clinical significance of this alteration remains unclear.

NM_006231.4(POLE):c.5860G>T (p.Asp1954Tyr)

Gene: POLE (DNA polymerase epsilon, catalytic subunit; minus strand). Cytogenetic location: 12q24.33.
Variant type: single nucleotide variant.
Coding change: c.5860G>T on transcript NM_006231.4 (MANE Select); coding-DNA position 5860, G replaced by T.
Protein change: p.Asp1954Tyr; replaces aspartic acid 1954 with tyrosine.
Molecular consequence: missense variant.
Genome position (GRCh38, 1-based): chr12:132,634,330, C>A on the plus strand (G>T on the coding strand, the complement: POLE is on the minus strand). VCF-style: chr12-132634330-C-A. GRCh37 (hg19) VCF-style: chr12-133210916-C-A.
Other names: short protein forms D1954Y.
Identifiers: ClinVar variation 1750144 (VCV001750144.2), dbSNP rs1262379825, ClinGen allele CA387371749.